The following is an entry in ClinVar:

NM_020631.6(PLEKHG5):c.55G>C (p.Ala19Pro)

Gene: PLEKHG5 (pleckstrin homology and RhoGEF domain containing G5; minus strand). Cytogenetic location: 1p36.31.
Variant type: single nucleotide variant.
Coding change: c.55G>C on transcript NM_020631.6 (MANE Select); coding-DNA position 55, G replaced by C.
Protein change: p.Ala19Pro; replaces alanine 19 with proline.
Molecular consequence: missense variant.
Genome position (GRCh38, 1-based): chr1:6,476,025, C>G on the plus strand (G>C on the coding strand, the complement: PLEKHG5 is on the minus strand). VCF-style: chr1-6476025-C-G. GRCh37 (hg19) VCF-style: chr1-6536085-C-G.
Other names: c.166G>C, p.Ala56Pro (NM_001042663.3, NM_001265592.2); c.55G>C, p.Ala19Pro (NM_001042664.2, NM_001042665.2, NM_001265594.3 and 1 more transcripts); c.262G>C, p.Ala88Pro (NM_001265593.2); short protein forms A19P, A56P, A88P.
Identifiers: ClinVar variation 1310126 (VCV001310126.2), dbSNP rs770387842, ClinGen allele CA338141558.

ClinVar aggregate classification (germline): Uncertain significance (1 of 4 stars; one submission).

gnomAD v4.1: 1 of 1,613,290 alleles (0.000062%); highest among the groups gnomAD compares: Non-Finnish European, 0.000085%; no homozygotes.

Submission:

GeneDx
Classification: Uncertain significance. Last evaluated: 2019-11-20. Review status: criteria provided, single submitter. Criteria: GeneDx Variant Classification Process June 2021. Collection method: clinical testing. Allele origin: germline. Affected: yes.
Comment: Not observed in large population cohorts (Lek et al., 2016); In silico analysis, which includes protein predictors and evolutionary conservation, supports that this variant does not alter protein structure/function; Has not been previously published as pathogenic or benign to our knowledge